The following is an entry in ClinVar:

NM_012144.4(DNAI1):c.1204G>T (p.Gly402Cys)

Gene: DNAI1 (dynein axonemal intermediate chain 1; plus strand). Cytogenetic location: 9p13.3.
Variant type: single nucleotide variant.
Coding change: c.1204G>T on transcript NM_012144.4 (MANE Select); coding-DNA position 1204, G replaced by T.
Protein change: p.Gly402Cys; replaces glycine 402 with cysteine.
Molecular consequence: missense variant.
Genome position (GRCh38, 1-based): chr9:34,506,767, G>T. VCF-style: chr9-34506767-G-T. GRCh37 (hg19) VCF-style: chr9-34506765-G-T.
Other names: c.1216G>T, p.Gly406Cys (NM_001281428.2); short protein forms G402C, G406C.
Identifiers: ClinVar variation 2867794 (VCV002867794.3), dbSNP rs746647838, ClinGen allele CA373257006.

ClinVar aggregate classification (germline): Likely pathogenic (1 of 4 stars; one submission).

Conditions:
Primary ciliary dyskinesia. Also called: Ciliary dyskinesia. Identifiers: Orphanet 244, MedGen C0008780, MONDO:0016575, HP:0012265.

gnomAD v4.1: 1 of 1,614,180 alleles (0.000062%); highest among the groups gnomAD compares: Admixed American, 0.0017%; no homozygotes.

Submission:

Labcorp Genetics (formerly Invitae), Labcorp
Classification: Likely pathogenic for Primary ciliary dyskinesia. Last evaluated: 2022-12-06. Review status: criteria provided, single submitter. Criteria: Invitae Variant Classification Sherloc (09022015). Collection method: clinical testing. Allele origin: germline.
Comment: In summary, the currently available evidence indicates that the variant is pathogenic, but additional data are needed to prove that conclusively. Therefore, this variant has been classified as Likely Pathogenic. This variant disrupts the p.Gly402 amino acid residue in DNAI1. Other variant(s) that disrupt this residue have been determined to be pathogenic (Invitae). This suggests that this residue is clinically significant, and that variants that disrupt this residue are likely to be disease-causing. Advanced modeling of protein sequence and biophysical properties (such as structural, functional, and spatial information, amino acid conservation, physicochemical variation, residue mobility, and thermodynamic stability) performed at Invitae indicates that this missense variant is expected to disrupt DNAI1 protein function. This variant has not been reported in the literature in individuals affected with DNAI1-related conditions. This variant is not present in population databases (gnomAD no frequency). This sequence change replaces glycine, which is neutral and non-polar, with cysteine, which is neutral and slightly polar, at codon 402 of the DNAI1 protein (p.Gly402Cys).